The following is an entry in ClinVar:

NM_006005.3(WFS1):c.1805C>T (p.Ala602Val)

Gene: WFS1 (wolframin ER transmembrane glycoprotein; plus strand). Cytogenetic location: 4p16.1.
Variant type: single nucleotide variant.
Coding change: c.1805C>T on transcript NM_006005.3 (MANE Select); coding-DNA position 1805, C replaced by T.
Protein change: p.Ala602Val; replaces alanine 602 with valine.
Molecular consequence: missense variant.
Genome position (GRCh38, 1-based): chr4:6,301,600, C>T. VCF-style: chr4-6301600-C-T. GRCh37 (hg19) VCF-style: chr4-6303327-C-T.
Other names: p.A602V:GCG>GTG; c.1805C>T, p.Ala602Val (NM_001145853.1); short protein forms A602V.
Identifiers: ClinVar variation 45440 (VCV000045440.46), dbSNP rs2230720, ClinGen allele CA282578.
Genomic context (GRCh38, chr4:6,301,600, plus strand): 5'-TGCTGCAGTTCGCCCGGTGGTTCACGTCTCTGGAGCTCACCAAGATCGCAGTCACCGTGG[C>T]GGTCTGTAGTGTGCCCCTGCTGTTGCGCTGGTGGACCAAGGCCAGCTTCTCTGTGGTGGG-3'
Protein context (NP_005996.2, residues 592-612): LELTKIAVTV[Ala602Val]VCSVPLLLRW

ClinVar aggregate classification (germline): Benign/Likely benign. Review status: criteria provided, multiple submitters, no conflicts (2 of 4 stars). 17 submissions from 16 submitters: Benign (11); Likely benign (3). 3 of the submissions do not count toward it. Last evaluated 2026-02-04.

Conditions:
Monogenic diabetes. Identifiers: Orphanet 183625, MedGen C3888631, MONDO:0015967.
WFS1-Related Spectrum Disorders.
Wolfram syndrome 1 (WFS1). Identifiers: Orphanet 3463, MedGen C4551693, MONDO:0009101, OMIM 222300.
Autosomal dominant nonsyndromic hearing loss 6 (LFSNHL). Also called: Autosomal dominant nonsyndromic deafness 6; DEAFNESS, AUTOSOMAL DOMINANT 6; DEAFNESS, AUTOSOMAL DOMINANT 14; DEAFNESS, AUTOSOMAL DOMINANT 38. Identifiers: Orphanet 90635, MedGen C1833021, MONDO:0010963, OMIM 600965.

Allele frequency attached by ClinVar (database versions not stated): ExAC 0.00882; gnomAD exomes 0.00714; gnomAD 0.02734 and 0.02889; 1000 Genomes Project 0.03035; ESP Exome Variant Server 0.03145; 1000 Genomes Project 30x 0.03061; TOPMed 0.03081.
gnomAD v4.1: 8,484 of 1,614,134 alleles (0.53%); highest among the groups gnomAD compares: African/African-American, 9.4%; 339 homozygotes.

Submissions (17):

Labcorp Genetics (formerly Invitae), Labcorp
Classification: Benign. Last evaluated: 2026-02-04. Review status: criteria provided, single submitter. Criteria: Invitae Variant Classification Sherloc (09022015). Collection method: clinical testing. Allele origin: germline.

ARUP Laboratories, Molecular Genetics and Genomics, ARUP Laboratories
Classification: Benign. Last evaluated: 2025-05-15. Review status: criteria provided, single submitter. Criteria: ARUP Molecular Germline Variant Investigation Process 2024. Collection method: clinical testing. Allele origin: germline.

Blueprint Genetics
Classification: Benign. Last evaluated: 2024-11-26. Review status: criteria provided, single submitter. Criteria: ACMG Guidelines, 2015. Collection method: clinical testing. Allele origin: germline.

Mayo Clinic Laboratories, Mayo Clinic
Classification: Benign. Last evaluated: 2023-02-01. Review status: criteria provided, single submitter. Criteria: ACMG Guidelines, 2015. Collection method: clinical testing. Allele origin: germline. Observed: 9 variant alleles.
Comment: BA1

Personalized Diabetes Medicine Program, University of Maryland School of Medicine
Classification: Benign for Monogenic diabetes. Last evaluated: 2019-02-15. Review status: criteria provided, single submitter. Criteria: ACMG Guidelines, 2015. Collection method: research. Allele origin: unknown. Observed: 15 variant alleles, 14 heterozygotes, 1 homozygote.
Comment: ACMG criteria: BA1 (9.3% in gnomAD), BP4 (9 predictors, Revel score 0.271), BS2 (219 controls in T2DM, 104 homozygotes in gnomAD) [BP6 (Chicago, Emory, Partners, and GeneDx all call benign but no longer using BP6)]=benign

Illumina Laboratory Services, Illumina
Classification: Likely benign for Autosomal dominant nonsyndromic hearing loss 6. Last evaluated: 2017-04-27. Review status: criteria provided, single submitter. Criteria: ICSL Variant Classification Criteria 13 December 2019. Collection method: clinical testing. Allele origin: germline.
Comment: This variant was observed as part of a predisposition screen in an ostensibly healthy population. A literature search was performed for the gene, cDNA change, and amino acid change (where applicable). No publications were found based on this search. Allele frequency data from public databases allowed determination this variant is unlikely to cause disease. Therefore, this variant is classified as likely benign.

Illumina Laboratory Services, Illumina
Classification: Likely benign for WFS1-Related Spectrum Disorders. Last evaluated: 2017-04-27. Review status: criteria provided, single submitter. Criteria: ICSL Variant Classification Criteria 13 December 2019. Collection method: clinical testing. Allele origin: germline.
Comment: This variant was observed as part of a predisposition screen in an ostensibly healthy population. A literature search was performed for the gene, cDNA change, and amino acid change (where applicable). Publications were found based on this search. The evidence from the literature, in combination with allele frequency data from public databases where available, was sufficient to determine this variant is unlikely to cause disease. Therefore, this variant is classified as likely benign.

Genetic Services Laboratory, University of Chicago
Classification: Benign for AllHighlyPenetrant. Last evaluated: 2013-08-16. Review status: criteria provided, single submitter. Criteria: ACMG Guidelines, 2007. Collection method: clinical testing. Allele origin: germline. Inheritance: Autosomal recessive inheritance.

Eurofins Ntd Llc (ga)
Classification: Benign. Last evaluated: 2013-08-14. Review status: criteria provided, single submitter. Criteria: EGL Classification Definitions 2015. Collection method: clinical testing. Allele origin: germline. Observed: 2 variant alleles, 2 heterozygotes.

GeneDx
Classification: Benign. Last evaluated: 2013-03-20. Review status: criteria provided, single submitter. Criteria: GeneDx Variant Classification (06012015). Collection method: clinical testing. Allele origin: germline. Affected: yes.
Comment: This variant is considered likely benign or benign based on one or more of the following criteria: it is a conservative change, it occurs at a poorly conserved position in the protein, it is predicted to be benign by multiple in silico algorithms, and/or has population frequency not consistent with disease.

Laboratory for Molecular Medicine, Mass General Brigham Personalized Medicine
Classification: Benign. Last evaluated: 2012-05-07. Review status: criteria provided, single submitter. Criteria: LMM Criteria. Collection method: clinical testing. Allele origin: germline. Observed: 37 variant alleles.
Comment: Ala602Val in Exon 08 of WFS1: This variant is not expected to have clinical sign ificance because it has been identified in 9.0% (336/3738) of African American c hromosomes from a broad population by the NHLBI Exome Sequencing Project (dbSNP rs2230720).

Breakthrough Genomics
Classification: Likely benign. Review status: criteria provided, single submitter. Criteria: ACMG Guidelines, 2015. Collection method: not provided. Allele origin: germline. Inheritance: Autosomal recessive inheritance. Affected: yes.

Clinical Genomics, Uppaluri K&H Personalized Medicine Clinic
Classification: Benign for Wolfram syndrome 1. Review status: criteria provided, single submitter. Criteria: K & H Uppaluri Personalized Medicine Clinic Variant Classification & Assertion Criteria_Updated V.1. Collection method: research. Allele origin: unknown. Inheritance: Autosomal dominant inheritance.
Comment: Potent mutations in WFS1 gene are associated with Wolfram's syndrome, an autosomal recessive condition, which cause diabetes mellitus, diabetes insipidus, deafness and optic atrophy.However no sufficient evidence is found to ascertain the role of this particular variant rs2230720 yet.

PreventionGenetics, part of Exact Sciences
Classification: Benign. Review status: criteria provided, single submitter. Criteria: ACMG Guidelines, 2015. Collection method: clinical testing. Allele origin: germline.

Clinical Genetics DNA and cytogenetics Diagnostics Lab, Erasmus MC, Erasmus Medical Center
Classification: Benign. Review status: no assertion criteria provided. Collection method: clinical testing. Allele origin: germline. Affected: yes. Study: VKGL Data-share Consensus. Not counted in ClinVar's aggregate classification.

Joint Genome Diagnostic Labs from Nijmegen and Maastricht, Radboudumc and MUMC+
Classification: Benign. Review status: no assertion criteria provided. Collection method: clinical testing. Allele origin: germline. Affected: yes. Study: VKGL Data-share Consensus. Not counted in ClinVar's aggregate classification.

Laboratory of Diagnostic Genome Analysis, Leiden University Medical Center (LUMC)
Classification: Likely benign. Review status: no assertion criteria provided. Collection method: clinical testing. Allele origin: germline. Affected: yes. Study: VKGL Data-share Consensus. Not counted in ClinVar's aggregate classification.

Literature cited by the submitters: PubMed 11244483 (cited by Illumina Laboratory Services, Illumina); PubMed 20738327 (cited by Clinical Genomics, Uppaluri K&H Personalized Medicine Clinic); PubMed 33879153 (cited by Clinical Genomics, Uppaluri K&H Personalized Medicine Clinic); PubMed 12955714 (cited by Clinical Genomics, Uppaluri K&H Personalized Medicine Clinic); PubMed 18060660 (cited by Clinical Genomics, Uppaluri K&H Personalized Medicine Clinic); PubMed 20301750 (cited by Clinical Genomics, Uppaluri K&H Personalized Medicine Clinic); PubMed 17603484 (cited by Clinical Genomics, Uppaluri K&H Personalized Medicine Clinic).